The following is an entry in ClinVar:

ClinVar aggregate classification (germline): Uncertain significance (1 of 4 stars; one submission).

Allele frequency attached by ClinVar (database versions not stated): gnomAD 0.00002; TOPMed 0.00002.
gnomAD v4.1: 3 of 1,613,508 alleles (0.00019%); highest among the groups gnomAD compares: African/African-American, 0.004%; no homozygotes.

Submission:

Labcorp Genetics (formerly Invitae), Labcorp
Classification: Uncertain significance. Last evaluated: 2021-08-17. Review status: criteria provided, single submitter. Criteria: Invitae Variant Classification Sherloc (09022015). Collection method: clinical testing. Allele origin: germline.
Comment: In summary, the available evidence is currently insufficient to determine the role of this variant in disease. Therefore, it has been classified as a Variant of Uncertain Significance. Algorithms developed to predict the effect of sequence changes on RNA splicing suggest that this variant may disrupt the consensus splice site. This variant has not been reported in the literature in individuals affected with C6-related conditions. This variant is not present in population databases (ExAC no frequency). This sequence change falls in intron 4 of the C6 gene. It does not directly change the encoded amino acid sequence of the C6 protein.

NM_000065.5(C6):c.446-10T>A

Gene: C6 (complement C6; minus strand). Cytogenetic location: 5p13.1.
Variant type: single nucleotide variant.
Coding change: c.446-10T>A on transcript NM_000065.5 (MANE Select); 10 bases into the intron before coding-DNA position 446, T replaced by A.
Molecular consequence: intron variant.
Genome position (GRCh38, 1-based): chr5:41,195,943, A>T on the plus strand (T>A on the coding strand, the complement: C6 is on the minus strand). VCF-style: chr5-41195943-A-T. GRCh37 (hg19) VCF-style: chr5-41196045-A-T.
Other names: c.446-10T>A (NM_001115131.4).
Identifiers: ClinVar variation 1348174 (VCV001348174.6), dbSNP rs920888184, ClinGen allele CA117790961.